The following is an entry in ClinVar:

NM_014844.5(TECPR2):c.3643G>A (p.Ala1215Thr)

Gene: TECPR2 (tectonin beta-propeller repeat containing 2; plus strand). Cytogenetic location: 14q32.31.
Variant type: single nucleotide variant.
Coding change: c.3643G>A on transcript NM_014844.5 (MANE Select); coding-DNA position 3643, G replaced by A.
Protein change: p.Ala1215Thr; replaces alanine 1215 with threonine.
Molecular consequence: missense variant.
Genome position (GRCh38, 1-based): chr14:102,465,143, G>A. VCF-style: chr14-102465143-G-A. GRCh37 (hg19) VCF-style: chr14-102931480-G-A.
Other names: c.3643G>A, p.Ala1215Thr (NM_001172631.3); short protein forms A1215T.
Identifiers: ClinVar variation 971471 (VCV000971471.3), dbSNP rs114136452, ClinGen allele CA7358315.
Genomic context (GRCh38, chr14:102,465,143, plus strand): 5'-GAAAGAATAGTCATTGTACAAAAGTAATTATAGTGTGTGTACTTTTCTTTATCTACAGGA[G>A]CTGTAAAATTGACAAGCTTGGCATGTGGAAATCAGCACATCTGGGCCTGTGATTCCAGGG-3'
Protein context (NP_055659.2, residues 1205-1225): WTRLDLSQLG[Ala1215Thr]VKLTSLACGN

ClinVar aggregate classification (germline): Uncertain significance (1 of 4 stars; one submission).

Conditions:
Hereditary spastic paraplegia 49 (HSAN9). Also called: Spastic paraplegia 49, autosomal recessive; NEUROPATHY, HEREDITARY SENSORY AND AUTONOMIC, TYPE IX, WITH DEVELOPMENTAL DELAY; TECPR2-Related Hereditary Sensory and Autonomic Neuropathy with Intellectual Disability. Identifiers: Orphanet 320385, MedGen C5190860, MONDO:0014016, OMIM 615031.

Allele frequency attached by ClinVar (database versions not stated): gnomAD exomes 0.00005 and 0.00014; ESP Exome Variant Server 0.00008; ExAC 0.00017; TOPMed 0.00043; gnomAD 0.00046 and 0.00048; 1000 Genomes Project 0.00080; 1000 Genomes Project 30x 0.00109.
gnomAD v4.1: 152 of 1,614,172 alleles (0.0094%); highest among the groups gnomAD compares: African/African-American, 0.17%; no homozygotes.

Submission:

Labcorp Genetics (formerly Invitae), Labcorp
Classification: Uncertain significance for Hereditary spastic paraplegia 49. Last evaluated: 2022-08-08. Review status: criteria provided, single submitter. Criteria: Invitae Variant Classification Sherloc (09022015). Collection method: clinical testing. Allele origin: germline.
Comment: This sequence change replaces alanine, which is neutral and non-polar, with threonine, which is neutral and polar, at codon 1215 of the TECPR2 protein (p.Ala1215Thr). This variant is present in population databases (rs114136452, gnomAD 0.2%). This variant has not been reported in the literature in individuals affected with TECPR2-related conditions. ClinVar contains an entry for this variant (Variation ID: 971471). Algorithms developed to predict the effect of missense changes on protein structure and function output the following: SIFT: "Tolerated"; PolyPhen-2: "Benign"; Align-GVGD: "Class C0". The threonine amino acid residue is found in multiple mammalian species, which suggests that this missense change does not adversely affect protein function. In summary, the available evidence is currently insufficient to determine the role of this variant in disease. Therefore, it has been classified as a Variant of Uncertain Significance.